The following is an entry in ClinVar:

NM_152564.5(VPS13B):c.2209-4T>G

Gene: VPS13B (vacuolar protein sorting 13 homolog B; plus strand). Cytogenetic location: 8q22.2.
Variant type: single nucleotide variant.
Coding change: c.2209-4T>G on transcript NM_152564.5 (MANE Select); 4 bases into the intron before coding-DNA position 2209, T replaced by G.
Molecular consequence: intron variant.
Genome position (GRCh38, 1-based): chr8:99,170,035, T>G. VCF-style: chr8-99170035-T-G. GRCh37 (hg19) VCF-style: chr8-100182263-T-G.
Other names: c.2209-4T>G (NM_017890.5, NM_015243.3, NM_152564.4 and 1 more transcripts).
Identifiers: ClinVar variation 767619 (VCV000767619.14), dbSNP rs201309214, ClinGen allele CA4822852.

ClinVar aggregate classification (germline): Benign/Likely benign. Review status: criteria provided, multiple submitters, no conflicts (2 of 4 stars). 5 submissions from 5 submitters: Benign (2); Likely benign (2). 1 of the submissions does not count toward it. Last evaluated 2026-01-20.

Conditions:
Inborn genetic diseases. Identifiers: MedGen C0950123, MeSH D030342.
Cohen syndrome (COH1). Also called: Cutis verticis gyrata, retinitis pigmentosa, and sensorineural deafness; PEPPER SYNDROME. Identifiers: Orphanet 193, MedGen C0265223, MONDO:0008999, OMIM 216550.
VPS13B-related disorder. Also called: VPS13B-related condition.

Allele frequency attached by ClinVar (database versions not stated): gnomAD below 0.00001 and 0.00004; TOPMed 0.00001; gnomAD exomes 0.00011 and 0.00024; ExAC 0.00028.
gnomAD v4.1: 172 of 1,612,502 alleles (0.011%); highest among the groups gnomAD compares: South Asian, 0.18%; 2 homozygotes.

Submissions (5):

Labcorp Genetics (formerly Invitae), Labcorp
Classification: Benign for Cohen syndrome. Last evaluated: 2026-01-20. Review status: criteria provided, single submitter. Criteria: Invitae Variant Classification Sherloc (09022015). Collection method: clinical testing. Allele origin: germline.

PreventionGenetics, part of Exact Sciences
Classification: Likely benign for VPS13B-related condition. Last evaluated: 2025-01-13. Review status: criteria provided, single submitter. Criteria: ACMG Guidelines, 2015. Collection method: clinical testing. Allele origin: germline.
Comment: This variant is classified as likely benign based on ACMG/AMP sequence variant interpretation guidelines (Richards et al. 2015 PMID: 25741868, with internal and published modifications).

Blueprint Genetics
Classification: Likely benign. Last evaluated: 2024-07-31. Review status: criteria provided, single submitter. Criteria: ACMG Guidelines, 2015. Collection method: clinical testing. Allele origin: germline.

Ambry Genetics
Classification: Benign for Inborn genetic diseases. Last evaluated: 2022-03-17. Review status: criteria provided, single submitter. Criteria: Ambry Variant Classification Scheme 2023. Collection method: clinical testing. Allele origin: germline.

Natera, Inc.
Classification: Benign for Cohen syndrome. Last evaluated: 2019-12-30. Review status: no assertion criteria provided. Collection method: clinical testing. Allele origin: germline. Not counted in ClinVar's aggregate classification.